The following is an entry in ClinVar:

NM_000521.4(HEXB):c.1614-6_1628dup

Gene: HEXB (hexosaminidase subunit beta; plus strand). Cytogenetic location: 5q13.3.
Variant type: Duplication.
Coding change: c.1614-6_1628dup on transcript NM_000521.4 (MANE Select); 6 bases into the intron before coding-DNA position 1614 through coding-DNA position 1628, 21 bases duplicated (CTACAGACGTGGAATAGCTGC).
Molecular consequence: splice acceptor variant.
Genome position (GRCh38, 1-based): chr5:74,721,112-74,721,132, CTACAGACGTGGAATAGCTGC duplicated. VCF-style (leftmost placement, unchanged base first): chr5-74721111-T-TCTACAGACGTGGAATAGCTGC. GRCh37 (hg19) VCF-style: chr5-74016936-T-TCTACAGACGTGGAATAGCTGC.
Other names: c.939-6_953dup (NM_001292004.2).
Identifiers: ClinVar variation 1060403 (VCV001060403.7), dbSNP rs2112188881, ClinGen allele CA2499217900.

ClinVar aggregate classification (germline): Uncertain significance (1 of 4 stars; one submission).

Conditions:
Sandhoff disease. Also called: Beta-hexosaminidase-beta-subunit deficiency; GM2 gangliosidosis, type 2; Total hexosaminidase deficiency; Sandhoff-Jatzkewitz-Pilz disease; GM2-GANGLIOSIDOSIS, TYPE II; HEXOSAMINIDASES A AND B DEFICIENCY. Identifiers: Orphanet 796, MedGen C0036161, MONDO:0010006, OMIM 268800.

Submission:

Labcorp Genetics (formerly Invitae), Labcorp
Classification: Uncertain significance for Sandhoff disease. Last evaluated: 2020-09-16. Review status: criteria provided, single submitter. Criteria: Invitae Variant Classification Sherloc (09022015). Collection method: clinical testing. Allele origin: germline.
Comment: In summary, the available evidence is currently insufficient to determine the role of this variant in disease. Therefore, it has been classified as a Variant of Uncertain Significance. This variant has been observed in individual(s) with Sandhoff disease (Invitae). This variant is not present in population databases (ExAC no frequency). This sequence change falls in intron 13 of the HEXB gene. It does not directly change the encoded amino acid sequence of the HEXB protein.